The following is an entry in ClinVar:

ClinVar aggregate classification (germline): Uncertain significance (1 of 4 stars; one submission).

Conditions:
Hereditary cancer-predisposing syndrome. Also called: Neoplastic Syndromes, Hereditary; Tumor predisposition; Hereditary neoplastic syndrome; Hereditary Cancer Syndrome. Identifiers: Orphanet 140162, MedGen C0027672, MeSH D009386, MONDO:0015356.

Submission:

Ambry Genetics
Classification: Uncertain significance for Hereditary cancer-predisposing syndrome. Last evaluated: 2026-07-15. Review status: criteria provided, single submitter. Criteria: Ambry Variant Classification Scheme 2023. Collection method: clinical testing. Allele origin: germline.
Comment: The c.1275_1276delGAinsAT variant (also known as p.T426S), located in coding exon 9 of the PTCH1 gene, results from an in-frame deletion of GA and insertion of AT at nucleotide positions 1275 to 1276. This results in the substitution of the threonine residue for a serine residue at codon 426, an amino acid with similar properties. This amino acid position is highly conserved in available vertebrate species. In addition, the in silico prediction for this variant is inconclusive. Based on the available evidence, the clinical significance of this variant remains unclear.

NM_000264.5(PTCH1):c.1275_1276delinsAT (p.Thr426Ser)

Gene: PTCH1 (patched 1; minus strand). Cytogenetic location: 9q22.32.
Variant type: Indel.
Coding change: c.1275_1276delinsAT on transcript NM_000264.5 (MANE Select); coding-DNA positions 1275 to 1276, GA replaced by AT.
Protein change: p.Thr426Ser; replaces threonine 426 with serine.
Molecular consequence: missense variant. On other transcripts: non-coding transcript variant (1).
Genome position (GRCh38, 1-based): chr9:95,478,126-95,478,127, TC replaced by AT on the plus strand (GA replaced by AT on the coding strand, the reverse complement: PTCH1 is on the minus strand). VCF-style: chr9-95478126-TC-AT. GRCh37 (hg19) VCF-style: chr9-98240408-TC-AT.
Other names: c.1077_1078delinsAT, p.Thr360Ser (NM_001083602.3); c.1272_1273delinsAT, p.Thr425Ser (NM_001083603.3); c.822_823delinsAT, p.Thr275Ser (NM_001083604.3, NM_001083605.3, NM_001083606.3 and 1 more transcripts); c.1275_1276delinsAT, p.Thr426Ser (NM_001354918.2); short protein forms T360S, T426S, T425S, T275S.
Identifiers: ClinVar variation 5027516 (VCV005027516.1).